The following is an entry in ClinVar:

NM_006914.4(RORB):c.8-14689C>T

Gene: RORB (RAR related orphan receptor B; plus strand). Cytogenetic location: 9q21.13.
Variant type: single nucleotide variant.
Coding change: c.8-14689C>T on transcript NM_006914.4 (MANE Select); 14689 bases into the intron before coding-DNA position 8, C replaced by T.
Molecular consequence: intron variant. On other transcripts: 5 prime UTR variant (1).
Genome position (GRCh38, 1-based): chr9:74,615,593, C>T. VCF-style: chr9-74615593-C-T. GRCh37 (hg19) VCF-style: chr9-77230509-C-T.
Other names: c.-7C>T (NM_001365023.1).
Identifiers: ClinVar variation 4856867 (VCV004856867.2).

ClinVar aggregate classification (germline): Uncertain significance (1 of 4 stars; one submission).

gnomAD v4.1: 65 of 453,828 alleles (0.014%); highest among the groups gnomAD compares: Middle Eastern, 0.033%; no homozygotes.

Submission:

Dasa
Classification: Uncertain significance. Last evaluated: 2025-09-01. Review status: criteria provided, single submitter. Criteria: DASA Assertion Criteria. Collection method: clinical testing. Allele origin: germline.
Comment: NM_001365023.1(RORB):c.-7C>T is a splice-region variant. This variant is rare in population databases. Computational prediction algorithms are consistent with a benign effect. The currently available literature and clinical evidence are not sufficient to establish a definitive association between this variant and the reported condition. Therefore, this variant is classified as a variant of uncertain significance.